The following is an entry in ClinVar:

ClinVar aggregate classification (germline): Uncertain significance. Review status: criteria provided, multiple submitters, no conflicts (2 of 4 stars). 2 submissions from 2 submitters: Uncertain significance (2). Last evaluated 2023-11-29.

Conditions:
Inborn genetic diseases. Identifiers: MedGen C0950123, MeSH D030342.

Allele frequency attached by ClinVar (database versions not stated): TOPMed 0.00001; gnomAD 0.00003; ExAC 0.00006.
gnomAD v4.1: 35 of 1,613,916 alleles (0.0022%); highest among the groups gnomAD compares: Middle Eastern, 0.016%; no homozygotes.

Submissions (2):

Ambry Genetics
Classification: Uncertain significance for Inborn genetic diseases. Last evaluated: 2023-11-29. Review status: criteria provided, single submitter. Criteria: Ambry Variant Classification Scheme 2023. Collection method: clinical testing. Allele origin: germline.

Labcorp Genetics (formerly Invitae), Labcorp
Classification: Uncertain significance. Last evaluated: 2022-10-18. Review status: criteria provided, single submitter. Criteria: Invitae Variant Classification Sherloc (09022015). Collection method: clinical testing. Allele origin: germline.
Comment: Algorithms developed to predict the effect of missense changes on protein structure and function (SIFT, PolyPhen-2, Align-GVGD) all suggest that this variant is likely to be disruptive. In summary, the available evidence is currently insufficient to determine the role of this variant in disease. Therefore, it has been classified as a Variant of Uncertain Significance. ClinVar contains an entry for this variant (Variation ID: 1364334). This variant has not been reported in the literature in individuals affected with KIAA0753-related conditions. This variant is present in population databases (rs777236349, gnomAD 0.02%). This sequence change replaces arginine, which is basic and polar, with cysteine, which is neutral and slightly polar, at codon 905 of the KIAA0753 protein (p.Arg905Cys).

NM_014804.3(KIAA0753):c.2713C>T (p.Arg905Cys)

Gene: KIAA0753 (KIAA0753; minus strand). Cytogenetic location: 17p13.1.
Variant type: single nucleotide variant.
Coding change: c.2713C>T on transcript NM_014804.3 (MANE Select); coding-DNA position 2713, C replaced by T.
Protein change: p.Arg905Cys; replaces arginine 905 with cysteine.
Molecular consequence: missense variant. On other transcripts: non-coding transcript variant (3).
Genome position (GRCh38, 1-based): chr17:6,589,852, G>A on the plus strand (C>T on the coding strand, the complement: KIAA0753 is on the minus strand). VCF-style: chr17-6589852-G-A. GRCh37 (hg19) VCF-style: chr17-6493172-G-A.
Other names: c.1816C>T, p.Arg606Cys (NM_001351225.2); c.2713C>T (NM_014804.2); short protein forms R606C, R905C.
Identifiers: ClinVar variation 1364334 (VCV001364334.7), dbSNP rs777236349, ClinGen allele CA8330067.